The following is an entry in ClinVar:

ClinVar aggregate classification (germline): Uncertain significance. Review status: criteria provided, multiple submitters, no conflicts (2 of 4 stars). 2 submissions from 2 submitters: Uncertain significance (2). Last evaluated 2025-06-30.

Conditions:
Familial thoracic aortic aneurysm and aortic dissection (TAAD). Also called: Thoracic aortic aneurysms and dissections. Identifiers: Orphanet 91387, MedGen C4707243, MONDO:0019625.

gnomAD v4.1: 3 of 1,614,066 alleles (0.00019%); highest among the groups gnomAD compares: Non-Finnish European, 0.00025%; no homozygotes.

Submissions (2):

Color Diagnostics, LLC DBA Color Health
Classification: Uncertain significance for Familial thoracic aortic aneurysm and aortic dissection. Last evaluated: 2025-06-30. Review status: criteria provided, single submitter. Criteria: ACMG Guidelines, 2015. Collection method: clinical testing. Allele origin: germline.
Comment: This missense variant replaces threonine with serine at codon 566 of the TGFBR2 protein. Computational prediction suggests that this variant may not impact protein structure and function. To our knowledge, functional studies have not been reported for this variant. This variant has not been reported in individuals affected with TGFBR2-related disorders in the literature. This variant has not been identified in the general population by the Genome Aggregation Database (gnomAD). The available evidence is insufficient to determine the role of this variant in disease conclusively. Therefore, this variant is classified as a Variant of Uncertain Significance.

Labcorp Genetics (formerly Invitae), Labcorp
Classification: Uncertain significance for Familial thoracic aortic aneurysm and aortic dissection. Last evaluated: 2018-05-18. Review status: criteria provided, single submitter. Criteria: Invitae Variant Classification Sherloc (09022015). Collection method: clinical testing. Allele origin: germline.
Comment: This sequence change replaces threonine with serine at codon 566 of the TGFBR2 protein (p.Thr566Ser). The threonine residue is moderately conserved and there is a small physicochemical difference between threonine and serine. This variant is not present in population databases (ExAC no frequency). This variant has not been reported in the literature in individuals with TGFBR2-related disease. Algorithms developed to predict the effect of missense changes on protein structure and function (SIFT, PolyPhen-2, Align-GVGD) all suggest that this variant is likely to be tolerated, but these predictions have not been confirmed by published functional studies and their clinical significance is uncertain. Algorithms developed to predict the effect of sequence changes on RNA splicing suggest that this variant may create or strengthen a splice site, but this prediction has not been confirmed by published transcriptional studies. In summary, the available evidence is currently insufficient to determine the role of this variant in disease. Therefore, it has been classified as a Variant of Uncertain Significance.

NM_003242.6(TGFBR2):c.1697C>G (p.Thr566Ser)

Gene: TGFBR2 (transforming growth factor beta receptor 2; plus strand). Cytogenetic location: 3p24.1.
Variant type: single nucleotide variant.
Coding change: c.1697C>G on transcript NM_003242.6 (MANE Select); coding-DNA position 1697, C replaced by G.
Protein change: p.Thr566Ser; replaces threonine 566 with serine.
Molecular consequence: missense variant.
Genome position (GRCh38, 1-based): chr3:30,691,592, C>G. VCF-style: chr3-30691592-C-G. GRCh37 (hg19) VCF-style: chr3-30733084-C-G.
Other names: c.1772C>G, p.Thr591Ser (NM_001024847.3); c.1880C>G, p.Thr627Ser (NM_001407126.1); c.1805C>G, p.Thr602Ser (NM_001407127.1); c.1724C>G, p.Thr575Ser (NM_001407128.1); c.1700C>G, p.Thr567Ser (NM_001407129.1); c.1694C>G, p.Thr565Ser (NM_001407130.1); c.1592C>G, p.Thr531Ser (NM_001407132.1, NM_001407133.1, NM_001407134.1 and 2 more transcripts); c.1412C>G, p.Thr471Ser (NM_001407137.1); and 2 more; short protein forms T591S, T566S, T446S, T471S, T531S, T602S, T627S, T567S.
Identifiers: ClinVar variation 569032 (VCV000569032.5), dbSNP rs979710806, ClinGen allele CA71547406.